The following is an entry in ClinVar:

NM_005912.3(MC4R):c.826T>C (p.Tyr276His)

Gene: MC4R (melanocortin 4 receptor; minus strand). Cytogenetic location: 18q21.32.
Variant type: single nucleotide variant.
Coding change: c.826T>C on transcript NM_005912.3 (MANE Select); coding-DNA position 826, T replaced by C.
Protein change: p.Tyr276His; replaces tyrosine 276 with histidine.
Molecular consequence: missense variant.
Genome position (GRCh38, 1-based): chr18:60,371,524, A>G on the plus strand (T>C on the coding strand, the complement: MC4R is on the minus strand). VCF-style: chr18-60371524-A-G. GRCh37 (hg19) VCF-style: chr18-58038757-A-G.
Other names: short protein forms Y276H.
Identifiers: ClinVar variation 4993393 (VCV004993393.1).

ClinVar aggregate classification (germline): Uncertain significance (1 of 4 stars; one submission).

Conditions:
MC4R-related disorder. Also called: MC4R-related condition.

gnomAD v4.1: 1 of 1,614,202 alleles (0.000062%); highest among the groups gnomAD compares: East Asian, 0.0022%; no homozygotes.

Submission:

PreventionGenetics, part of Exact Sciences
Classification: Uncertain significance for MC4R-related condition. Last evaluated: 2026-03-30. Review status: criteria provided, single submitter. Criteria: ACMG Guidelines, 2015. Collection method: clinical testing. Allele origin: germline.
Comment: The MC4R c.826T>C variant is predicted to result in the amino acid substitution p.Tyr276His. To our knowledge, this variant has not been reported in the literature. This variant is reported in 0.0054% of alleles in individuals of East Asian descent in gnomAD. At this time, the clinical significance of this variant is uncertain due to the absence of conclusive functional and genetic evidence.